The following is an entry in ClinVar:

ClinVar aggregate classification (germline): Likely benign. Review status: criteria provided, multiple submitters, no conflicts (2 of 4 stars). 3 submissions from 3 submitters: Likely benign (2). 1 of the submissions does not count toward it. Last evaluated 2026-01-16.

Conditions:
CNGB1-related disorder. Also called: CNGB1-related condition.

Allele frequency attached by ClinVar (database versions not stated): ExAC 0.00002; gnomAD exomes 0.00002; gnomAD 0.00003 and 0.00005; TOPMed 0.00008.
gnomAD v4.1: 42 of 1,613,676 alleles (0.0026%); highest among the groups gnomAD compares: Middle Eastern, 0.033%; 1 homozygote.

Submissions (3):

Labcorp Genetics (formerly Invitae), Labcorp
Classification: Likely benign. Last evaluated: 2026-01-16. Review status: criteria provided, single submitter. Criteria: Invitae Variant Classification Sherloc (09022015). Collection method: clinical testing. Allele origin: germline.

Blueprint Genetics
Classification: Likely benign. Last evaluated: 2024-10-02. Review status: criteria provided, single submitter. Criteria: ACMG Guidelines, 2015. Collection method: clinical testing. Allele origin: germline.

PreventionGenetics, part of Exact Sciences
Classification: Likely benign for CNGB1-related condition. Last evaluated: 2024-08-01. Review status: no assertion criteria provided. Collection method: clinical testing. Allele origin: germline. Not counted in ClinVar's aggregate classification.
Comment: This variant is classified as likely benign based on ACMG/AMP sequence variant interpretation guidelines (Richards et al. 2015 PMID: 25741868, with internal and published modifications).

NM_001297.5(CNGB1):c.561T>A (p.Ala187=)

Gene: CNGB1 (cyclic nucleotide gated channel subunit beta 1; minus strand). Cytogenetic location: 16q21.
Variant type: single nucleotide variant.
Coding change: c.561T>A on transcript NM_001297.5 (MANE Select); coding-DNA position 561, T replaced by A.
Protein change: p.Ala187=; no amino-acid change (alanine 187 retained).
Molecular consequence: synonymous variant.
Genome position (GRCh38, 1-based): chr16:57,960,504, A>T on the plus strand (T>A on the coding strand, the complement: CNGB1 is on the minus strand). VCF-style: chr16-57960504-A-T. GRCh37 (hg19) VCF-style: chr16-57994408-A-T.
Other names: c.561T>A, p.Ala187= (NM_001135639.2, NM_001286130.2); c.561T>A (NM_001297.4).
Identifiers: ClinVar variation 1101040 (VCV001101040.11), dbSNP rs747372673, ClinGen allele CA8083764.